The following is an entry in ClinVar:

ClinVar aggregate classification (germline): Benign/Likely benign. Review status: criteria provided, multiple submitters, no conflicts (2 of 4 stars). 6 submissions from 6 submitters: Benign (3); Likely benign (2). 1 of the submissions does not count toward it. Last evaluated 2026-02-10.

Conditions:
Combined immunodeficiency due to DOCK8 deficiency (HIES2). Also called: HIES autosomal recessive; Hyper-IgE recurrent infection syndrome, autosomal recessive; DOCK8 Deficiency; HYPER-IgE SYNDROME 2, AUTOSOMAL RECESSIVE, WITH RECURRENT INFECTIONS; HYPER-IgE RECURRENT INFECTION SYNDROME 2, AUTOSOMAL RECESSIVE. Identifiers: Orphanet 217390, MedGen C4722305, MONDO:0009478, OMIM 243700.

Allele frequency attached by ClinVar (database versions not stated): gnomAD exomes 0.00054; ExAC 0.00061; gnomAD 0.00207; TOPMed 0.00210; ESP Exome Variant Server 0.00215; 1000 Genomes Project 0.00419; 1000 Genomes Project 30x 0.00468.
gnomAD v4.1: 721 of 1,614,126 alleles (0.045%); highest among the groups gnomAD compares: African/African-American, 0.74%; 4 homozygotes.

Submissions (6):

Women's Health and Genetics/Laboratory Corporation of America, LabCorp
Classification: Benign. Last evaluated: 2026-02-10. Review status: criteria provided, single submitter. Criteria: LabCorp Variant Classification Summary - May 2015. Collection method: clinical testing. Allele origin: germline.
Comment: Variant summary: DOCK8 c.528+7C>A alters a nucleotide located at a position not widely known to affect splicing. Consensus agreement among computation tools predict no significant impact on normal splicing. However, these predictions have yet to be confirmed by functional studies. The variant allele was found at a frequency of 0.00054 in 251452 control chromosomes, predominantly at a frequency of 0.0065 within the African or African-American subpopulation in the gnomAD database, including 2 homozygotes. The observed variant frequency within African or African-American control individuals in the gnomAD database exceeds the estimated maximal expected allele frequency for disease-causing variants in DOCK8. To our knowledge, no occurrence of c.528+7C>A in individuals affected with DOCK8-related conditions and no experimental evidence demonstrating its impact on protein function have been reported. ClinVar contains an entry for this variant (Variation ID: 377794). Based on the evidence outlined above, the variant was classified as benign.

Labcorp Genetics (formerly Invitae), Labcorp
Classification: Benign for Combined immunodeficiency due to DOCK8 deficiency. Last evaluated: 2026-02-01. Review status: criteria provided, single submitter. Criteria: Invitae Variant Classification Sherloc (09022015). Collection method: clinical testing. Allele origin: germline.

Mayo Clinic Laboratories, Mayo Clinic
Classification: Likely benign. Last evaluated: 2025-09-30. Review status: criteria provided, single submitter. Criteria: ACMG Guidelines, 2015. Collection method: clinical testing. Allele origin: germline. Observed: 1 variant allele.
Comment: BS1, BP4, BP7

Blueprint Genetics
Classification: Likely benign. Last evaluated: 2024-11-01. Review status: criteria provided, single submitter. Criteria: ACMG Guidelines, 2015. Collection method: clinical testing. Allele origin: germline.

GeneDx
Classification: Benign. Last evaluated: 2015-06-25. Review status: criteria provided, single submitter. Criteria: GeneDx Variant Classification (06012015). Collection method: clinical testing. Allele origin: germline. Affected: yes.
Comment: This variant is considered likely benign or benign based on one or more of the following criteria: it is a conservative change, it occurs at a poorly conserved position in the protein, it is predicted to be benign by multiple in silico algorithms, and/or has population frequency not consistent with disease.

Genetic Services Laboratory, University of Chicago
Classification: Likely benign. Last evaluated: 2022-10-06. Review status: no assertion criteria provided. Collection method: clinical testing. Allele origin: germline. Affected: no. Not counted in ClinVar's aggregate classification.

NM_203447.4(DOCK8):c.528+7C>A

Gene: DOCK8 (dedicator of cytokinesis 8; plus strand). Cytogenetic location: 9p24.3.
Variant type: single nucleotide variant.
Coding change: c.528+7C>A on transcript NM_203447.4 (MANE Select); 7 bases into the intron after coding-DNA position 528, C replaced by A.
Molecular consequence: intron variant.
Genome position (GRCh38, 1-based): chr9:304,711, C>A. VCF-style: chr9-304711-C-A. GRCh37 (hg19) VCF-style: chr9-304711-C-A.
Other names: p.?; c.324+7C>A (NM_001193536.2, NM_001190458.2).
Identifiers: ClinVar variation 377794 (VCV000377794.15), dbSNP rs114833839, ClinGen allele CA4957269.